The following is an entry in ClinVar:

ClinVar aggregate classification (germline): Uncertain significance (1 of 4 stars; one submission).

Submission:

Labcorp Genetics (formerly Invitae), Labcorp
Classification: Uncertain significance. Last evaluated: 2024-03-27. Review status: criteria provided, single submitter. Criteria: Invitae Variant Classification Sherloc (09022015). Collection method: clinical testing. Allele origin: germline.
Comment: This sequence change falls in intron 9 of the EMC1 gene. It does not directly change the encoded amino acid sequence of the EMC1 protein. It affects a nucleotide within the consensus splice site. This variant is present in population databases (rs747574162, gnomAD 0.0009%). This variant has not been reported in the literature in individuals affected with EMC1-related conditions. ClinVar contains an entry for this variant (Variation ID: 1041162). Variants that disrupt the consensus splice site are a relatively common cause of aberrant splicing (PMID: 17576681, 9536098). Experimental studies and prediction algorithms are not available or were not evaluated, and the effect of this variant on mRNA splicing is currently unknown. In summary, the available evidence is currently insufficient to determine the role of this variant in disease. Therefore, it has been classified as a Variant of Uncertain Significance.

Literature cited by the submitters: PubMed 17576681; PubMed 9536098.

NM_015047.3(EMC1):c.1027-3_1027-2del

Genes: EMC1 (ER membrane protein complex subunit 1; minus strand), EMC1-AS1 (EMC1 antisense RNA 1; plus strand). Cytogenetic location: 1p36.13.
Variant type: Deletion.
Coding change: c.1027-3_1027-2del on transcript NM_015047.3 (MANE Select); 3 bases into the intron before coding-DNA position 1027 through the canonical splice acceptor site of the intron before coding-DNA position 1027, 2 bases deleted (TA; older notation c.1027-3_1027-2delTA).
Molecular consequence: splice acceptor variant. On other transcripts: intron variant (2).
Genome position (GRCh38, 1-based): chr1:19,238,859-19,238,860, TA deleted on the plus strand (TA on the coding strand, the reverse complement: EMC1 is on the minus strand); deleting any 2 consecutive bases within chr1:19,238,859-19,238,861 gives the same sequence; the c. name uses the placement nearest the transcript's 3' end. VCF-style (leftmost placement, unchanged base first): chr1-19238858-CTA-C. GRCh37 (hg19) VCF-style: chr1-19565352-CTA-C.
Other names: c.961-3_961-2del (NM_001271429.2); c.1027-6_1027-5del (NM_001271427.2, NM_001375821.1); c.1027-3_1027-2del (NM_001271428.2, NM_001375820.1).
Identifiers: ClinVar variation 1041162 (VCV001041162.8), dbSNP rs747574162, ClinGen allele CA652703.
Genomic context (GRCh38, chr1:19,238,858, plus strand): 5'-TGAACTAGACTTCTCCGAAAAGCTCCCCATTGACCCATCTTCAGAACTGCTACTTTTCTG[CTA>C]TGAGAAAGAGAAGGACAGGAGAAAATTCAGCCAAAGGGTCACTTCCCAGTCACTGAAATG-3'